The following is an entry in ClinVar:

ClinVar aggregate classification (germline): Benign/Likely benign. Review status: criteria provided, multiple submitters, no conflicts (2 of 4 stars). 6 submissions from 6 submitters: Benign (2); Likely benign (4). Last evaluated 2026-06-01.

Conditions:
Hereditary cancer-predisposing syndrome. Also called: Tumor predisposition; Hereditary neoplastic syndrome; Hereditary Cancer Syndrome; Neoplastic Syndromes, Hereditary. Identifiers: Orphanet 140162, MedGen C0027672, MeSH D009386, MONDO:0015356.
Tuberous sclerosis syndrome (TSC). Also called: Tuberous Sclerosis Complex; Tuberous sclerosis. Identifiers: Orphanet 805, MedGen C0041341, MONDO:0001734.
Tuberous sclerosis 2 (TSC2). Identifiers: Orphanet 805, MedGen C1860707, MONDO:0013199, OMIM 613254.

Allele frequency attached by ClinVar (database versions not stated): ESP Exome Variant Server 0.00008; gnomAD 0.00001; gnomAD exomes 0.00001 and 0.00002; TOPMed 0.00001; ExAC 0.00003.
gnomAD v4.1: 19 of 1,612,770 alleles (0.0012%); highest among the groups gnomAD compares: Non-Finnish European, 0.0014%; no homozygotes.

Submissions (6):

CeGaT Center for Human Genetics Tuebingen
Classification: Likely benign. Last evaluated: 2026-06-01. Review status: criteria provided, single submitter. Criteria: CeGaT Center For Human Genetics Tuebingen Variant Classification Criteria Version 2. Collection method: clinical testing. Allele origin: germline. Affected: yes. Observed: 2 variant alleles.
Comment: TSC2: BP4, BP7

Labcorp Genetics (formerly Invitae), Labcorp
Classification: Likely benign for Tuberous sclerosis 2. Last evaluated: 2025-12-22. Review status: criteria provided, single submitter. Criteria: Invitae Variant Classification Sherloc (09022015). Collection method: clinical testing. Allele origin: germline.

Myriad Genetics, Inc.
Classification: Benign for Tuberous sclerosis 2. Last evaluated: 2025-06-05. Review status: criteria provided, single submitter. Criteria: Myriad Autosomal Dominant, Autosomal Recessive and X-Linked Classification Criteria (2023). Collection method: clinical testing. Allele origin: unknown.
Comment: This variant is considered benign. This variant is a silent/synonymous amino acid change and it is not expected to impact splicing.

Color Diagnostics, LLC DBA Color Health
Classification: Likely benign for Tuberous sclerosis syndrome. Last evaluated: 2022-11-06. Review status: criteria provided, single submitter. Criteria: ACMG Guidelines, 2015. Collection method: clinical testing. Allele origin: germline.

Genome-Nilou Lab
Classification: Benign for Tuberous sclerosis 2. Last evaluated: 2021-11-07. Review status: criteria provided, single submitter. Criteria: ACMG Guidelines, 2015. Collection method: clinical testing. Allele origin: germline. Affected: no.

Ambry Genetics
Classification: Likely benign for Hereditary cancer-predisposing syndrome. Last evaluated: 2015-07-24. Review status: criteria provided, single submitter. Criteria: Ambry Variant Classification Scheme 2023. Collection method: clinical testing. Allele origin: germline.

NM_000548.5(TSC2):c.4803T>G (p.Gly1601=)

Gene: TSC2 (TSC complex subunit 2; plus strand). Cytogenetic location: 16p13.3.
Variant type: single nucleotide variant.
Coding change: c.4803T>G on transcript NM_000548.5 (MANE Select); coding-DNA position 4803, T replaced by G.
Protein change: p.Gly1601=; no amino-acid change (glycine 1601 retained).
Molecular consequence: synonymous variant.
Genome position (GRCh38, 1-based): chr16:2,086,333, T>G. VCF-style: chr16-2086333-T-G. GRCh37 (hg19) VCF-style: chr16-2136334-T-G.
Other names: c.4602T>G, p.Gly1534= (NM_001077183.3); c.4734T>G, p.Gly1578= (NM_001114382.3); c.4494T>G, p.Gly1498= (NM_001318827.2); c.4458T>G, p.Gly1486= (NM_001318829.2); c.4071T>G, p.Gly1357= (NM_001318831.2); c.4635T>G, p.Gly1545= (NM_001318832.2); c.4605T>G, p.Gly1535= (NM_001363528.2); c.4671T>G, p.Gly1557= (NM_001370404.1); and 1 more.
Identifiers: ClinVar variation 413695 (VCV000413695.21), dbSNP rs377474730, ClinGen allele CA052474.